The following is an entry in ClinVar:

NM_000059.4(BRCA2):c.2662A>G (p.Asn888Asp)

Gene: BRCA2 (BRCA2 DNA repair associated; plus strand). Cytogenetic location: 13q13.1.
Variant type: single nucleotide variant.
Coding change: c.2662A>G on transcript NM_000059.4 (MANE Select); coding-DNA position 2662, A replaced by G.
Protein change: p.Asn888Asp; replaces asparagine 888 with aspartic acid.
Molecular consequence: missense variant. On other transcripts: non-coding transcript variant (1), intron variant (2).
Genome position (GRCh38, 1-based): chr13:32,337,017, A>G. VCF-style: chr13-32337017-A-G. GRCh37 (hg19) VCF-style: chr13-32911154-A-G.
Other names: c.2662A>G, p.Asn888Asp (NM_001406719.1, NM_001406720.1, NM_001432077.1); c.1909+3630A>G (NM_001406721.1); c.424+5987A>G (NM_001406722.1); short protein forms N888D.
Identifiers: ClinVar variation 3361656 (VCV003361656.1).

ClinVar aggregate classification (germline): Uncertain significance (1 of 4 stars; one submission).

Submission:

GeneDx
Classification: Uncertain significance. Last evaluated: 2023-07-26. Review status: criteria provided, single submitter. Criteria: GeneDx Variant Classification Process June 2021. Collection method: clinical testing. Allele origin: germline. Affected: yes.
Comment: Not observed at significant frequency in large population cohorts (gnomAD); In silico analysis supports that this missense variant has a deleterious effect on protein structure/function; Has not been previously published as pathogenic or benign to our knowledge; Also known as 2890A>G